The following is an entry in ClinVar:

ClinVar aggregate classification (germline): Uncertain significance. Review status: criteria provided, multiple submitters, no conflicts (2 of 4 stars). 3 submissions from 3 submitters: Uncertain significance (3). Last evaluated 2025-12-15.

Conditions:
Inborn genetic diseases. Identifiers: MedGen C0950123, MeSH D030342.
Congenital afibrinogenemia. Identifiers: Orphanet 335, Orphanet 98880, MedGen C2584774, MONDO:0008737, OMIM 202400.

Allele frequency attached by ClinVar (database versions not stated): gnomAD 0.00001; TOPMed 0.00001; gnomAD exomes 0.00004.
gnomAD v4.1: 52 of 1,568,030 alleles (0.0033%); highest among the groups gnomAD compares: Non-Finnish European, 0.0044%; no homozygotes.

Submissions (3):

Labcorp Genetics (formerly Invitae), Labcorp
Classification: Uncertain significance. Last evaluated: 2025-12-15. Review status: criteria provided, single submitter. Criteria: Invitae Variant Classification Sherloc (09022015). Collection method: clinical testing. Allele origin: germline.
Comment: This sequence change replaces leucine, which is neutral and non-polar, with proline, which is neutral and non-polar, at codon 27 of the FGB protein (p.Leu27Pro). This variant is not present in population databases (gnomAD no frequency). This variant has not been reported in the literature in individuals affected with FGB-related conditions. ClinVar contains an entry for this variant (Variation ID: 901356). Invitae Evidence Modeling of protein sequence and biophysical properties (such as structural, functional, and spatial information, amino acid conservation, physicochemical variation, residue mobility, and thermodynamic stability) indicates that this missense variant is not expected to disrupt FGB protein function with a negative predictive value of 80%. In summary, the available evidence is currently insufficient to determine the role of this variant in disease. Therefore, it has been classified as a Variant of Uncertain Significance.

Ambry Genetics
Classification: Uncertain significance for Inborn genetic diseases. Last evaluated: 2025-12-11. Review status: criteria provided, single submitter. Criteria: Ambry Variant Classification Scheme 2023. Collection method: clinical testing. Allele origin: germline.

Illumina Laboratory Services, Illumina
Classification: Uncertain significance for Congenital afibrinogenemia. Last evaluated: 2018-01-12. Review status: criteria provided, single submitter. Criteria: ICSL Variant Classification Criteria 13 December 2019. Collection method: clinical testing. Allele origin: germline.

NM_005141.5(FGB):c.80T>C (p.Leu27Pro)

Gene: FGB (fibrinogen beta chain; plus strand). Cytogenetic location: 4q31.3.
Variant type: single nucleotide variant.
Coding change: c.80T>C on transcript NM_005141.5 (MANE Select); coding-DNA position 80, T replaced by C.
Protein change: p.Leu27Pro; replaces leucine 27 with proline.
Molecular consequence: missense variant.
Genome position (GRCh38, 1-based): chr4:154,563,098, T>C. VCF-style: chr4-154563098-T-C. GRCh37 (hg19) VCF-style: chr4-155484250-T-C.
Other names: c.80T>C, p.Leu27Pro (NM_001184741.1); short protein forms L27P.
Identifiers: ClinVar variation 901356 (VCV000901356.6), dbSNP rs1442627097, ClinGen allele CA358507657.